The following is an entry in ClinVar:

ClinVar aggregate classification (germline): Uncertain significance. Review status: criteria provided, multiple submitters, no conflicts (2 of 4 stars). 2 submissions from 2 submitters: Uncertain significance (2). Last evaluated 2024-10-31.

Conditions:
Hereditary cancer-predisposing syndrome. Also called: Neoplastic Syndromes, Hereditary; Tumor predisposition; Hereditary neoplastic syndrome; Hereditary Cancer Syndrome. Identifiers: Orphanet 140162, MedGen C0027672, MeSH D009386, MONDO:0015356.
Retinoblastoma (RB1). Also called: RETINOBLASTOMA, SOMATIC. Identifiers: Orphanet 790, MedGen C0035335, MeSH D012175, MONDO:0008380, OMIM 180200, HP:0009919. Disease mechanism: loss of function. Inheritance: Both sporadic and heritable forms are tested..

Allele frequency attached by ClinVar (database versions not stated): gnomAD exomes below 0.00001.
gnomAD v4.1: 1 of 1,595,226 alleles (0.000063%); highest among the groups gnomAD compares: Non-Finnish European, 0.000085%; no homozygotes.

Submissions (2):

Labcorp Genetics (formerly Invitae), Labcorp
Classification: Uncertain significance for Retinoblastoma. Last evaluated: 2024-10-31. Review status: criteria provided, single submitter. Criteria: Invitae Variant Classification Sherloc (09022015). Collection method: clinical testing. Allele origin: germline.
Comment: This sequence change replaces asparagine, which is neutral and polar, with serine, which is neutral and polar, at codon 478 of the RB1 protein (p.Asn478Ser). This variant is not present in population databases (gnomAD no frequency). This variant has not been reported in the literature in individuals affected with RB1-related conditions. ClinVar contains an entry for this variant (Variation ID: 3231189). Invitae Evidence Modeling of protein sequence and biophysical properties (such as structural, functional, and spatial information, amino acid conservation, physicochemical variation, residue mobility, and thermodynamic stability) indicates that this missense variant is not expected to disrupt RB1 protein function with a negative predictive value of 80%. In summary, the available evidence is currently insufficient to determine the role of this variant in disease. Therefore, it has been classified as a Variant of Uncertain Significance.

Ambry Genetics
Classification: Uncertain significance for Hereditary cancer-predisposing syndrome. Last evaluated: 2024-03-12. Review status: criteria provided, single submitter. Criteria: Ambry Variant Classification Scheme 2023. Collection method: clinical testing. Allele origin: germline.
Comment: The p.N478S variant (also known as c.1433A>G), located in coding exon 16 of the RB1 gene, results from an A to G substitution at nucleotide position 1433. The asparagine at codon 478 is replaced by serine, an amino acid with highly similar properties. This amino acid position is conserved. In addition, this alteration is predicted to be tolerated by in silico analysis. Based on the available evidence, the clinical significance of this alteration remains unclear.

NM_000321.3(RB1):c.1433A>G (p.Asn478Ser)

Gene: RB1 (RB transcriptional corepressor 1; plus strand). Cytogenetic location: 13q14.2.
Variant type: single nucleotide variant.
Coding change: c.1433A>G on transcript NM_000321.3 (MANE Select); coding-DNA position 1433, A replaced by G.
Protein change: p.Asn478Ser; replaces asparagine 478 with serine.
Molecular consequence: missense variant.
Genome position (GRCh38, 1-based): chr13:48,380,176, A>G. VCF-style: chr13-48380176-A-G. GRCh37 (hg19) VCF-style: chr13-48954312-A-G.
Other names: c.1433A>G, p.Asn478Ser (NM_001407165.1, NM_001407166.1); short protein forms N478S.
Identifiers: ClinVar variation 3231189 (VCV003231189.3), dbSNP rs2138142778, ClinGen allele CA388162780.